The following is an entry in ClinVar:

NM_001110556.2(FLNA):c.7739T>C (p.Val2580Ala)

Genes: FLNA (filamin A; minus strand), LOC107988032 (Xq28 proximal FLNA-EMD recombination region; plus strand). Cytogenetic location: Xq28.
Variant type: single nucleotide variant.
Coding change: c.7739T>C on transcript NM_001110556.2 (MANE Select); coding-DNA position 7739, T replaced by C.
Protein change: p.Val2580Ala; replaces valine 2580 with alanine.
Molecular consequence: missense variant.
Genome position (GRCh38, 1-based): chrX:154,349,379, A>G on the plus strand (T>C on the coding strand, the complement: FLNA is on the minus strand). VCF-style: chrX-154349379-A-G. GRCh37 (hg19) VCF-style: chrX-153577747-A-G.
Other names: c.7715T>C, p.Val2572Ala (NM_001456.4); short protein forms V2580A, V2572A.
Identifiers: ClinVar variation 1954588 (VCV001954588.5), dbSNP rs2522712560, ClinGen allele CA415179362.

ClinVar aggregate classification (germline): Uncertain significance (1 of 4 stars; one submission).

Conditions:
Heterotopia, periventricular, X-linked dominant (PVNH1). Also called: PERIVENTRICULAR NODULAR HETEROTOPIA 1; PERIVENTRICULAR NODULAR HETEROTOPIA 4; HETEROTOPIA, PERIVENTRICULAR, 1; X-linked periventricular heterotopia. Identifiers: Orphanet 2149, Orphanet 82004, MedGen C1848213, MONDO:0010233, OMIM 300049.
Melnick-Needles syndrome (MNS). Also called: Melnick-Needles Syndrome (FLNA-MNS); MELNICK-NEEDLES OSTEODYSPLASTY; OSTEODYSPLASTY OF MELNICK AND NEEDLES. Identifiers: Orphanet 2484, MedGen C0025237, MONDO:0010650, OMIM 309350.
Oto-palato-digital syndrome, type II (OPD2). Also called: Otopalatodigital Syndrome Type 2 (FLNA-OPD2); FACIOPALATOOSSEOUS SYNDROME; OPD II SYNDROME; Otopalatodigital Syndrome, Type II. Identifiers: Orphanet 669, Orphanet 90652, MedGen C1844696, MONDO:0010571, OMIM 304120.
Frontometaphyseal dysplasia (FMD1). Identifiers: Orphanet 1826, MedGen C0265293, MONDO:0015942.

Submission:

Labcorp Genetics (formerly Invitae), Labcorp
Classification: Uncertain significance for Oto-palato-digital syndrome, type II; Heterotopia, periventricular, X-linked dominant; Frontometaphyseal dysplasia; Melnick-Needles syndrome. Last evaluated: 2022-10-12. Review status: criteria provided, single submitter. Criteria: Invitae Variant Classification Sherloc (09022015). Collection method: clinical testing. Allele origin: germline.
Comment: In summary, the available evidence is currently insufficient to determine the role of this variant in disease. Therefore, it has been classified as a Variant of Uncertain Significance. Advanced modeling of protein sequence and biophysical properties (such as structural, functional, and spatial information, amino acid conservation, physicochemical variation, residue mobility, and thermodynamic stability) performed at Invitae indicates that this missense variant is not expected to disrupt FLNA protein function. This variant has not been reported in the literature in individuals affected with FLNA-related conditions. This variant is not present in population databases (gnomAD no frequency). This sequence change replaces valine, which is neutral and non-polar, with alanine, which is neutral and non-polar, at codon 2572 of the FLNA protein (p.Val2572Ala).